The following is an entry in ClinVar:

ClinVar aggregate classification (germline): Uncertain significance (1 of 4 stars; one submission).

Allele frequency attached by ClinVar (database versions not stated): ExAC 0.00001; gnomAD exomes 0.00001.
gnomAD v4.1: 3 of 1,583,850 alleles (0.00019%); highest among the groups gnomAD compares: Non-Finnish European, 0.00026%; no homozygotes.

Submission:

Ambry Genetics
Classification: Uncertain significance. Last evaluated: 2024-01-11. Review status: criteria provided, single submitter. Criteria: Ambry Variant Classification Scheme 2023. Collection method: clinical testing. Allele origin: germline.
Comment: The p.N954T variant (also known as c.2861A>C), located in coding exon 16 of the POLQ gene, results from an A to C substitution at nucleotide position 2861. The asparagine at codon 954 is replaced by threonine, an amino acid with similar properties. This amino acid position is conserved. In addition, this alteration is predicted to be tolerated by in silico analysis. Since supporting evidence is limited at this time, the clinical significance of this alteration remains unclear.

NM_199420.4(POLQ):c.2861A>C (p.Asn954Thr)

Gene: POLQ (DNA polymerase theta; minus strand). Cytogenetic location: 3q13.33.
Variant type: single nucleotide variant.
Coding change: c.2861A>C on transcript NM_199420.4 (MANE Select); coding-DNA position 2861, A replaced by C.
Protein change: p.Asn954Thr; replaces asparagine 954 with threonine.
Molecular consequence: missense variant.
Genome position (GRCh38, 1-based): chr3:121,490,070, T>G on the plus strand (A>C on the coding strand, the complement: POLQ is on the minus strand). VCF-style: chr3-121490070-T-G. GRCh37 (hg19) VCF-style: chr3-121208917-T-G.
Other names: short protein forms N954T.
Identifiers: ClinVar variation 1796959 (VCV001796959.2), dbSNP rs764391099, ClinGen allele CA2563173.